The following is an entry in ClinVar:

NM_001003699.4(RREB1):c.1213G>A (p.Gly405Ser)

Gene: RREB1 (ras responsive element binding protein 1; plus strand). Cytogenetic location: 6p24.3.
Variant type: single nucleotide variant.
Coding change: c.1213G>A on transcript NM_001003699.4 (MANE Select); coding-DNA position 1213, G replaced by A.
Protein change: p.Gly405Ser; replaces glycine 405 with serine.
Molecular consequence: missense variant.
Genome position (GRCh38, 1-based): chr6:7,229,312, G>A. VCF-style: chr6-7229312-G-A. GRCh37 (hg19) VCF-style: chr6-7229545-G-A.
Other names: c.1213G>A, p.Gly405Ser (NM_001003698.4, NM_001003700.2, NM_001168344.2); c.1213G>A (NM_001003699.3); short protein forms G405S.
Identifiers: ClinVar variation 1690899 (VCV001690899.4), dbSNP rs146744494, ClinGen allele CA3625486.

ClinVar aggregate classification (germline): Conflicting classifications of pathogenicity. Review status: criteria provided, conflicting classifications (1 of 4 stars). 2 submissions from 2 submitters: Uncertain significance (1); Likely benign (1). Last evaluated 2023-07-19.

Allele frequency attached by ClinVar (database versions not stated): ExAC 0.00005; gnomAD exomes 0.00006; ESP Exome Variant Server 0.00008; gnomAD 0.00010 and 0.00011; TOPMed 0.00010; 1000 Genomes Project 30x 0.00016; 1000 Genomes Project 0.00020.
gnomAD v4.1: 50 of 1,614,078 alleles (0.0031%); highest among the groups gnomAD compares: African/African-American, 0.029%; no homozygotes.

Submissions (2):

Ambry Genetics
Classification: Uncertain significance. Last evaluated: 2023-07-19. Review status: criteria provided, single submitter. Criteria: Ambry Variant Classification Scheme 2023. Collection method: clinical testing. Allele origin: germline.

Laboratorio de Genetica e Diagnostico Molecular, Hospital Israelita Albert Einstein
Classification: Likely benign. Last evaluated: 2020-06-24. Review status: criteria provided, single submitter. Criteria: ACMG Guidelines, 2015. Collection method: clinical testing. Allele origin: germline. Affected: yes.
Comment: ACMG classification criteria: PM2, BP1, BP4